The following is an entry in ClinVar:

ClinVar aggregate classification (germline): Uncertain significance (1 of 4 stars; one submission).

Conditions:
Familial temporal lobe epilepsy 7. Identifiers: Orphanet 101046, MedGen C4225327, MONDO:0014639, OMIM 616436.
Norman-Roberts syndrome (LIS2). Also called: Lissencephaly 2 (Norman-Roberts type). Identifiers: Orphanet 89844, MedGen C0796089, MONDO:0009760, OMIM 257320.

Submission:

Labcorp Genetics (formerly Invitae), Labcorp
Classification: Uncertain significance for Familial temporal lobe epilepsy 7; Norman-Roberts syndrome. Last evaluated: 2024-04-25. Review status: criteria provided, single submitter. Criteria: Invitae Variant Classification Sherloc (09022015). Collection method: clinical testing. Allele origin: germline.
Comment: This sequence change replaces tyrosine, which is neutral and polar, with aspartic acid, which is acidic and polar, at codon 2059 of the RELN protein (p.Tyr2059Asp). This variant is not present in population databases (gnomAD no frequency). This variant has not been reported in the literature in individuals affected with RELN-related conditions. Advanced modeling of protein sequence and biophysical properties (such as structural, functional, and spatial information, amino acid conservation, physicochemical variation, residue mobility, and thermodynamic stability) performed at Invitae indicates that this missense variant is not expected to disrupt RELN protein function with a negative predictive value of 80%. In summary, the available evidence is currently insufficient to determine the role of this variant in disease. Therefore, it has been classified as a Variant of Uncertain Significance.

NM_005045.4(RELN):c.6175T>G (p.Tyr2059Asp)

Gene: RELN (reelin; minus strand). Cytogenetic location: 7q22.1.
Variant type: single nucleotide variant.
Coding change: c.6175T>G on transcript NM_005045.4 (MANE Select); coding-DNA position 6175, T replaced by G.
Protein change: p.Tyr2059Asp; replaces tyrosine 2059 with aspartic acid.
Molecular consequence: missense variant.
Genome position (GRCh38, 1-based): chr7:103,551,194, A>C on the plus strand (T>G on the coding strand, the complement: RELN is on the minus strand). VCF-style: chr7-103551194-A-C. GRCh37 (hg19) VCF-style: chr7-103191641-A-C.
Other names: c.6175T>G, p.Tyr2059Asp (NM_173054.3); short protein forms Y2059D.
Identifiers: ClinVar variation 3755932 (VCV003755932.2).